The following is an entry in ClinVar:

ClinVar aggregate classification (germline): Uncertain significance. Review status: criteria provided, multiple submitters, no conflicts (2 of 4 stars). 3 submissions from 3 submitters: Uncertain significance (3). Last evaluated 2026-03-01.

Conditions:
Methylcobalamin deficiency type cblG (HMAG). Also called: HOMOCYSTINURIA-MEGALOBLASTIC ANEMIA, cblG COMPLEMENTATION TYPE; HOMOCYSTINURIA-MEGALOBLASTIC ANEMIA, cblG TYPE; Functional methionine synthase deficiency type cblG; HOMOCYSTINURIA-MEGALOBLASTIC ANEMIA DUE TO DEFECT IN COBALAMIN METABOLISM, cblG COMPLEMENTATION TYPE. Identifiers: Orphanet 2170, Orphanet 622, MedGen C1855128, MONDO:0009609, OMIM 250940.

Allele frequency attached by ClinVar (database versions not stated): ExAC 0.00001; gnomAD exomes 0.00002 and 0.00004; gnomAD 0.00005 and 0.00006; ESP Exome Variant Server 0.00008.
gnomAD v4.1: 65 of 1,611,966 alleles (0.004%); highest among the groups gnomAD compares: Non-Finnish European, 0.0054%; no homozygotes.

Submissions (3):

CeGaT Center for Human Genetics Tuebingen
Classification: Uncertain significance. Last evaluated: 2026-03-01. Review status: criteria provided, single submitter. Criteria: CeGaT Center For Human Genetics Tuebingen Variant Classification Criteria Version 2. Collection method: clinical testing. Allele origin: germline. Affected: yes. Observed: 2 variant alleles.
Comment: MTR: PM2, PM3:Supporting, PP3

Labcorp Genetics (formerly Invitae), Labcorp
Classification: Uncertain significance for Methylcobalamin deficiency type cblG. Last evaluated: 2025-06-20. Review status: criteria provided, single submitter. Criteria: Invitae Variant Classification Sherloc (09022015). Collection method: clinical testing. Allele origin: germline.
Comment: This sequence change replaces serine, which is neutral and polar, with tyrosine, which is neutral and polar, at codon 437 of the MTR protein (p.Ser437Tyr). This variant is present in population databases (rs368619885, gnomAD 0.005%). This missense change has been observed in individual(s) with methylcobalamin deficiency G disorder (PMID: 12068375). ClinVar contains an entry for this variant (Variation ID: 296563). Invitae Evidence Modeling of protein sequence and biophysical properties (such as structural, functional, and spatial information, amino acid conservation, physicochemical variation, residue mobility, and thermodynamic stability) indicates that this missense variant is expected to disrupt MTR protein function with a positive predictive value of 95%. In summary, the available evidence is currently insufficient to determine the role of this variant in disease. Therefore, it has been classified as a Variant of Uncertain Significance.

GeneDx
Classification: Uncertain significance. Last evaluated: 2021-02-02. Review status: criteria provided, single submitter. Criteria: GeneDx Variant Classification Process June 2021. Collection method: clinical testing. Allele origin: germline. Affected: yes.
Comment: Not observed at a significant frequency in large population cohorts (Lek et al., 2016); In silico analysis supports that this missense variant has a deleterious effect on protein structure/function; This variant is associated with the following publications: (PMID: 12068375)

Literature cited by the submitters: PubMed 12068375 (cited by Labcorp Genetics (formerly Invitae), Labcorp).

NM_000254.3(MTR):c.1310C>A (p.Ser437Tyr)

Gene: MTR (5-methyltetrahydrofolate-homocysteine methyltransferase; plus strand). Cytogenetic location: 1q43.
Variant type: single nucleotide variant.
Coding change: c.1310C>A on transcript NM_000254.3 (MANE Select); coding-DNA position 1310, C replaced by A.
Protein change: p.Ser437Tyr; replaces serine 437 with tyrosine.
Molecular consequence: missense variant.
Genome position (GRCh38, 1-based): chr1:236,835,668, C>A. VCF-style: chr1-236835668-C-A. GRCh37 (hg19) VCF-style: chr1-236998968-C-A.
Other names: c.1310C>A, p.Ser437Tyr (NM_001291939.1); c.89C>A, p.Ser30Tyr (NM_001291940.2); short protein forms S437Y, S30Y.
Identifiers: ClinVar variation 296563 (VCV000296563.13), dbSNP rs368619885, ClinGen allele CA1474045.